The following is an entry in ClinVar:

ClinVar aggregate classification (germline): Conflicting classifications of pathogenicity. Review status: criteria provided, conflicting classifications (1 of 4 stars). 2 submissions from 2 submitters: Uncertain significance (1); Likely benign (1). Last evaluated 2024-09-20.

Conditions:
Christianson syndrome (MRXSCH). Also called: INTELLECTUAL DEVELOPMENTAL DISORDER, X-LINKED, SYNDROMIC, CHRISTIANSON TYPE; SLC9A6-Related Syndromic Mental Retardation; X-linked mental retardation, syndromic, Christianson type. Identifiers: Orphanet 85278, MedGen C2678194, MONDO:0010278, OMIM 300243.

Submissions (2):

3billion
Classification: Likely benign for Christianson syndrome. Last evaluated: 2024-09-20. Review status: criteria provided, single submitter. Criteria: ACMG Guidelines, 2015. Collection method: clinical testing. Allele origin: germline. Affected: no.
Comment: The hemizygous variant was found in patients with no symptoms related to the gene containing the hemizygous variant.

Labcorp Genetics (formerly Invitae), Labcorp
Classification: Uncertain significance for Christianson syndrome. Last evaluated: 2022-07-26. Review status: criteria provided, single submitter. Criteria: Invitae Variant Classification Sherloc (09022015). Collection method: clinical testing. Allele origin: germline.
Comment: This sequence change replaces asparagine, which is neutral and polar, with serine, which is neutral and polar, at codon 663 of the SLC9A6 protein (p.Asn663Ser). In summary, the available evidence is currently insufficient to determine the role of this variant in disease. Therefore, it has been classified as a Variant of Uncertain Significance. Algorithms developed to predict the effect of sequence changes on RNA splicing suggest that this variant may create or strengthen a splice site. Algorithms developed to predict the effect of missense changes on protein structure and function (SIFT, PolyPhen-2, Align-GVGD) all suggest that this variant is likely to be tolerated. ClinVar contains an entry for this variant (Variation ID: 1020226). This variant has not been reported in the literature in individuals affected with SLC9A6-related conditions. This variant is not present in population databases (gnomAD no frequency).

NM_001379110.1(SLC9A6):c.2018A>G (p.Asn673Ser)

Gene: SLC9A6 (solute carrier family 9 member A6; plus strand). Cytogenetic location: Xq26.3.
Variant type: single nucleotide variant.
Coding change: c.2018A>G on transcript NM_001379110.1 (MANE Select); coding-DNA position 2018, A replaced by G.
Protein change: p.Asn673Ser; replaces asparagine 673 with serine.
Molecular consequence: missense variant.
Genome position (GRCh38, 1-based): chrX:136,044,702, A>G. VCF-style: chrX-136044702-A-G. GRCh37 (hg19) VCF-style: chrX-135126861-A-G.
Other names: c.2084A>G, p.Asn695Ser (NM_001042537.2); c.1928A>G, p.Asn643Ser (NM_001177651.2); c.1832A>G, p.Asn611Ser (NM_001330652.2); c.1988A>G, p.Asn663Ser (NM_006359.3); short protein forms N611S, N643S, N663S, N673S, N695S.
Identifiers: ClinVar variation 1020226 (VCV001020226.10), dbSNP rs2071570215, ClinGen allele CA414757356.